The following is an entry in ClinVar:

ClinVar aggregate classification (germline): Uncertain significance (1 of 4 stars; one submission).

Submission:

Women's Health and Genetics/Laboratory Corporation of America, LabCorp
Classification: Uncertain significance. Last evaluated: 2025-09-22. Review status: criteria provided, single submitter. Criteria: LabCorp Variant Classification Summary - May 2015. Collection method: clinical testing. Allele origin: germline.
Comment: Variant summary: The variant involves the duplication of exons 1-11 in the PDHA1 gene. A presumed nomenclature of c.(?_-112)_(*2066_?)dup has been designated for the purposes of this classification. This duplication includes the entire coding sequence of the gene. As exact breakpoints are unknown, it may extend beyond the annotated region of the gene, to include other flanking genes. The variant was absent in 16120 control chromosomes. The available data on variant occurrences in the general population are insufficient to allow any conclusion about variant significance. A larger duplication harboring PDHA1 has been observed in individual(s) affected with PDHA1-related disorders. These report(s) do not provide unequivocal conclusions about association of the variant with Pyruvate Dehydrogenase Deficiency. To our knowledge, no experimental evidence demonstrating an impact on protein function has been reported. The following publication have been ascertained in the context of this evaluation (PMID: 34380004). No submitters have cited clinical-significance assessments for this variant to ClinVar. Based on the evidence outlined above, the variant was classified as uncertain significance.

Literature cited by the submitters: PubMed 34380004.

NC_000023.10:g.(?_19362044)_(19379837_?)dup

Genes: MAP3K15 (mitogen-activated protein kinase kinase kinase 15; minus strand), PDHA1 (pyruvate dehydrogenase E1 subunit alpha 1; plus strand). Cytogenetic location: Xp22.12.
Variant type: Duplication.
Identifiers: ClinVar variation 4536079 (VCV004536079.1).